The following is an entry in ClinVar:

NM_001098816.3(TENM4):c.5223C>T (p.Asn1741=)

Gene: TENM4 (teneurin transmembrane protein 4; minus strand). Cytogenetic location: 11q14.1.
Variant type: single nucleotide variant.
Coding change: c.5223C>T on transcript NM_001098816.3 (MANE Select); coding-DNA position 5223, C replaced by T.
Protein change: p.Asn1741=; no amino-acid change (asparagine 1741 retained).
Molecular consequence: synonymous variant.
Genome position (GRCh38, 1-based): chr11:78,688,091, G>A on the plus strand (C>T on the coding strand, the complement: TENM4 is on the minus strand). VCF-style: chr11-78688091-G-A. GRCh37 (hg19) VCF-style: chr11-78399136-G-A.
Other names: p.Asn1741=.
Identifiers: ClinVar variation 4683671 (VCV004683671.1).

ClinVar aggregate classification (germline): Benign (1 of 4 stars; one submission).

gnomAD v4.1: 114 of 1,613,734 alleles (0.0071%); highest among the groups gnomAD compares: Non-Finnish European, 0.0042%; no homozygotes.

Submission:

Mayo Clinic Laboratories, Mayo Clinic
Classification: Benign. Last evaluated: 2025-02-03. Review status: criteria provided, single submitter. Criteria: ACMG Guidelines, 2015. Collection method: clinical testing. Allele origin: germline. Observed: 3 variant alleles.
Comment: BS1, BS2